The following is an entry in ClinVar:

NM_001375978.1(CHRM3):c.192C>T (p.Thr64=)

Gene: CHRM3 (cholinergic receptor muscarinic 3; plus strand). Cytogenetic location: 1q43.
Variant type: single nucleotide variant.
Coding change: c.192C>T on transcript NM_001375978.1 (MANE Select); coding-DNA position 192, C replaced by T.
Protein change: p.Thr64=; no amino-acid change (threonine 64 retained).
Molecular consequence: synonymous variant.
Genome position (GRCh38, 1-based): chr1:239,907,643, C>T. VCF-style: chr1-239907643-C-T. GRCh37 (hg19) VCF-style: chr1-240070943-C-T.
Other names: c.192C>T, p.Thr64= (NM_000740.4, NM_001347716.2, NM_001375979.1 and 6 more transcripts); c.192C>T (NM_000740.3).
Identifiers: ClinVar variation 725518 (VCV000725518.11), dbSNP rs141951495, ClinGen allele CA1475750.

ClinVar aggregate classification (germline): Likely benign. Review status: criteria provided, single submitter (1 of 4 stars). 2 submissions from 2 submitters: Likely benign (1). 1 of the submissions does not count toward it. Last evaluated 2025-06-12.

Conditions:
CHRM3-related disorder. Also called: CHRM3-related condition.

Allele frequency attached by ClinVar (database versions not stated): gnomAD exomes 0.00004 and 0.00011; ExAC 0.00015; 1000 Genomes Project 30x 0.00031; gnomAD 0.00033 and 0.00035; 1000 Genomes Project 0.00040; TOPMed 0.00043; ESP Exome Variant Server 0.00054.
gnomAD v4.1: 106 of 1,614,148 alleles (0.0066%); highest among the groups gnomAD compares: African/African-American, 0.13%; no homozygotes.

Submissions (2):

Labcorp Genetics (formerly Invitae), Labcorp
Classification: Likely benign. Last evaluated: 2025-06-12. Review status: criteria provided, single submitter. Criteria: Invitae Variant Classification Sherloc (09022015). Collection method: clinical testing. Allele origin: germline.

PreventionGenetics, part of Exact Sciences
Classification: Likely benign for CHRM3-related condition. Last evaluated: 2019-05-28. Review status: no assertion criteria provided. Collection method: clinical testing. Allele origin: germline. Not counted in ClinVar's aggregate classification.
Comment: This variant is classified as likely benign based on ACMG/AMP sequence variant interpretation guidelines (Richards et al. 2015 PMID: 25741868, with internal and published modifications).